The following is an entry in ClinVar:

ClinVar aggregate classification (germline): Uncertain significance. Review status: criteria provided, multiple submitters, no conflicts (2 of 4 stars). 2 submissions from 2 submitters: Uncertain significance (2). Last evaluated 2024-12-18.

Conditions:
CYP7B1-related disorder. Also called: CYP7B1-related condition.

Allele frequency attached by ClinVar (database versions not stated): TOPMed 0.00002; gnomAD 0.00004.
gnomAD v4.1: 40 of 1,512,318 alleles (0.0026%); highest among the groups gnomAD compares: Middle Eastern, 0.022%; no homozygotes.

Submissions (2):

PreventionGenetics, part of Exact Sciences
Classification: Uncertain significance for CYP7B1-related condition. Last evaluated: 2024-12-18. Review status: criteria provided, single submitter. Criteria: ACMG Guidelines, 2015. Collection method: clinical testing. Allele origin: germline.
Comment: The CYP7B1 c.113G>C variant is predicted to result in the amino acid substitution p.Arg38Pro. To our knowledge, this variant has not been reported in the literature. This variant is reported in 0.0025% of alleles in individuals of European (Non-Finnish) descent in gnomAD. At this time, the clinical significance of this variant is uncertain due to the absence of conclusive functional and genetic evidence.

GeneDx
Classification: Uncertain significance. Last evaluated: 2024-09-03. Review status: criteria provided, single submitter. Criteria: GeneDx Variant Classification Process June 2021. Collection method: clinical testing. Allele origin: germline. Affected: yes.
Comment: Not observed at significant frequency in large population cohorts (gnomAD); In silico analysis indicates that this missense variant does not alter protein structure/function; Has not been previously published as pathogenic or benign to our knowledge

NM_004820.5(CYP7B1):c.113G>C (p.Arg38Pro)

Gene: CYP7B1 (cytochrome P450 family 7 subfamily B member 1; minus strand). Cytogenetic location: 8q12.3.
Variant type: single nucleotide variant.
Coding change: c.113G>C on transcript NM_004820.5 (MANE Select); coding-DNA position 113, G replaced by C.
Protein change: p.Arg38Pro; replaces arginine 38 with proline.
Molecular consequence: missense variant.
Genome position (GRCh38, 1-based): chr8:64,798,475, C>G on the plus strand (G>C on the coding strand, the complement: CYP7B1 is on the minus strand). VCF-style: chr8-64798475-C-G. GRCh37 (hg19) VCF-style: chr8-65711032-C-G.
Other names: c.113G>C, p.Arg38Pro (NM_001324112.2); c.113G>C (NM_004820.3); short protein forms R38P.
Identifiers: ClinVar variation 2635731 (VCV002635731.3), dbSNP rs1015530410, ClinGen allele CA179061866.